The following is an entry in ClinVar:

ClinVar aggregate classification (germline): Uncertain significance (1 of 4 stars; one submission).

Conditions:
Renal cell carcinoma. Identifiers: Orphanet 217071, MedGen C0007134, MeSH D002292, MONDO:0005086, HP:0005584.

Submission:

Labcorp Genetics (formerly Invitae), Labcorp
Classification: Uncertain significance for Renal cell carcinoma. Last evaluated: 2022-11-01. Review status: criteria provided, single submitter. Criteria: Invitae Variant Classification Sherloc (09022015). Collection method: clinical testing. Allele origin: germline.
Comment: This variant is not present in population databases (gnomAD no frequency). In summary, the available evidence is currently insufficient to determine the role of this variant in disease. Therefore, it has been classified as a Variant of Uncertain Significance. Advanced modeling of protein sequence and biophysical properties (such as structural, functional, and spatial information, amino acid conservation, physicochemical variation, residue mobility, and thermodynamic stability) performed at Invitae indicates that this missense variant is not expected to disrupt MET protein function. This variant has not been reported in the literature in individuals affected with MET-related conditions. This sequence change replaces aspartic acid, which is acidic and polar, with asparagine, which is neutral and polar, at codon 352 of the MET protein (p.Asp352Asn).

NM_000245.4(MET):c.1054G>A (p.Asp352Asn)

Gene: MET (MET proto-oncogene, receptor tyrosine kinase; plus strand). Cytogenetic location: 7q31.2.
Variant type: single nucleotide variant.
Coding change: c.1054G>A on transcript NM_000245.4 (MANE Select); coding-DNA position 1054, G replaced by A.
Protein change: p.Asp352Asn; replaces aspartic acid 352 with asparagine.
Molecular consequence: missense variant. On other transcripts: intron variant (1).
Genome position (GRCh38, 1-based): chr7:116,700,138, G>A. VCF-style: chr7-116700138-G-A. GRCh37 (hg19) VCF-style: chr7-116340192-G-A.
Other names: c.1054G>A, p.Asp352Asn (NM_001127500.3, NM_001324401.3); c.-91+27561G>A (NM_001324402.2); short protein forms D352N.
Identifiers: ClinVar variation 2060025 (VCV002060025.4), dbSNP rs2116604369, ClinGen allele CA368970437.